The following is an entry in ClinVar:

ClinVar aggregate classification (germline): Pathogenic/Likely pathogenic. Review status: criteria provided, multiple submitters, no conflicts (2 of 4 stars). 4 submissions from 4 submitters: Pathogenic (1); Likely pathogenic (3). Last evaluated 2024-09-12.

Conditions:
Combined malonic and methylmalonic acidemia. Identifiers: Orphanet 289504, MedGen C3280314, MONDO:0013661, OMIM 614265.

Allele frequency attached by ClinVar (database versions not stated): TOPMed below 0.00001; gnomAD 0.00001.
gnomAD v4.1: 2 of 1,613,998 alleles (0.00012%); highest among the groups gnomAD compares: Non-Finnish European, 0.00017%; no homozygotes.

Submissions (4):

Natera, Inc.
Classification: Likely pathogenic for Combined malonic and methylmalonic aciduria. Last evaluated: 2024-09-12. Review status: criteria provided, single submitter. Criteria: Natera Variant Classification Schema (03/2026). Collection method: clinical testing. Allele origin: germline.
Comment: The c.1536G>A variant in ACSF3 is a nonsense variant predicted to introduce a stop codon at amino acid 512. This variant is expected to result in nonsense mediated decay, truncation, or a dysfunctional protein product. This variant is rare in the general population with a frequency below the threshold expected for the associated phenotype(s). Given the available evidence, this variant is classified as Likely Pathogenic.

Labcorp Genetics (formerly Invitae), Labcorp
Classification: Pathogenic for Combined malonic and methylmalonic acidemia. Last evaluated: 2024-01-11. Review status: criteria provided, single submitter. Criteria: Invitae Variant Classification Sherloc (09022015). Collection method: clinical testing. Allele origin: germline.
Comment: This sequence change creates a premature translational stop signal (p.Trp512*) in the ACSF3 gene. It is expected to result in an absent or disrupted protein product. Loss-of-function variants in ACSF3 are known to be pathogenic (PMID: 21841779, 26827111). This variant is present in population databases (no rsID available, gnomAD 0.007%). This variant has not been reported in the literature in individuals affected with ACSF3-related conditions. ClinVar contains an entry for this variant (Variation ID: 1029290). For these reasons, this variant has been classified as Pathogenic.

Women's Health and Genetics/Laboratory Corporation of America, LabCorp
Classification: Likely pathogenic for Combined malonic and methylmalonic acidemia. Last evaluated: 2023-03-03. Review status: criteria provided, single submitter. Criteria: LabCorp Variant Classification Summary - May 2015. Collection method: clinical testing. Allele origin: germline.
Comment: Variant summary: ACSF3 c.1536G>A (p.Trp512X) results in a premature termination codon, predicted to cause a truncation of the encoded protein or absence of the protein due to nonsense mediated decay, which are commonly known mechanisms for disease. Truncations downstream of this position have been reported in association with Malonic & methylmalonic aciduria in HGMD. The variant was absent in 251470 control chromosomes. To our knowledge, no occurrence of c.1536G>A in individuals affected with Combined Malonic And Methylmalonic Aciduria and no experimental evidence demonstrating its impact on protein function have been reported. One clinical diagnostic laboratory has submitted clinical-significance assessments for this variant to ClinVar after 2014 without evidence for independent evaluation. One laboratory classified the variant as likely pathogenic. Based on the evidence outlined above, the variant was classified as likely pathogenic.

Baylor Genetics
Classification: Likely pathogenic for Combined malonic and methylmalonic acidemia. Last evaluated: 2020-02-26. Review status: criteria provided, single submitter. Criteria: ACMG Guidelines, 2015. Collection method: clinical testing. Allele origin: unknown. Affected: yes.
Comment: This variant was determined to be likely pathogenic according to ACMG Guidelines, 2015 [PMID:25741868].

Literature cited by the submitters: PubMed 21841779 (cited by Labcorp Genetics (formerly Invitae), Labcorp); PubMed 26827111 (cited by Labcorp Genetics (formerly Invitae), Labcorp).

NM_001243279.3(ACSF3):c.1536G>A (p.Trp512Ter)

Gene: ACSF3 (acyl-CoA synthetase family member 3; plus strand). Cytogenetic location: 16q24.3.
Variant type: single nucleotide variant.
Coding change: c.1536G>A on transcript NM_001243279.3 (MANE Select); coding-DNA position 1536, G replaced by A.
Protein change: p.Trp512Ter; replaces tryptophan 512 with a stop codon.
Molecular consequence: nonsense. On other transcripts: non-coding transcript variant (4).
Genome position (GRCh38, 1-based): chr16:89,145,972, G>A. VCF-style: chr16-89145972-G-A. GRCh37 (hg19) VCF-style: chr16-89212380-G-A.
Other names: c.1536G>A, p.Trp512Ter (NM_001127214.4, NM_174917.5); c.741G>A, p.Trp247Ter (NM_001284316.2); c.1536G>A (NM_174917.4); short protein forms W247*, W512*.
Identifiers: ClinVar variation 1029290 (VCV001029290.6), dbSNP rs1025201214, ClinGen allele CA286496294.
Genomic context (GRCh38, chr16:89,145,972, plus strand): 5'-TTCTCAAACTGTTCTTCTATCCGCAGATGTGGCTGTGATTGGAGTTCCGGATATGACATG[G>A]GGCCAGCGGGTCACTGCTGTGGTGACCCTCCGAGAAGGACACTCACTGTCCCACAGGGAG-3'